The following is an entry in ClinVar:

ClinVar aggregate classification (germline): Likely benign. Review status: criteria provided, multiple submitters, no conflicts (2 of 4 stars). 3 submissions from 3 submitters: Likely benign (3). Last evaluated 2023-04-26.

Conditions:
Hereditary cancer-predisposing syndrome. Also called: Neoplastic Syndromes, Hereditary; Hereditary Cancer Syndrome; Tumor predisposition; Hereditary neoplastic syndrome. Identifiers: Orphanet 140162, MedGen C0027672, MeSH D009386, MONDO:0015356.
Ataxia-telangiectasia syndrome (AT). Also called: LOUIS-BAR SYNDROME; Cerebello-oculocutaneous telangiectasia; Immunodeficiency with ataxia telangiectasia; Ataxia-telangiectasia, complementation group D; AT, COMPLEMENTATION GROUP C; Ataxia-telangiectasia, complementation group E. Identifiers: Orphanet 100, MedGen C0004135, MONDO:0008840, OMIM 208900.

Allele frequency attached by ClinVar (database versions not stated): gnomAD exomes below 0.00001; ExAC 0.00001; gnomAD 0.00001.
gnomAD v4.1: 2 of 1,539,300 alleles (0.00013%); highest among the groups gnomAD compares: Non-Finnish European, 0.00009%; no homozygotes.

Submissions (3):

Labcorp Genetics (formerly Invitae), Labcorp
Classification: Likely benign for Ataxia-telangiectasia syndrome. Last evaluated: 2023-04-26. Review status: criteria provided, single submitter. Criteria: Invitae Variant Classification Sherloc (09022015). Collection method: clinical testing. Allele origin: germline.

GeneDx
Classification: Likely benign. Last evaluated: 2017-10-24. Review status: criteria provided, single submitter. Criteria: GeneDx Variant Classification (06012015). Collection method: clinical testing. Allele origin: germline. Affected: yes.
Comment: This variant is considered likely benign or benign based on one or more of the following criteria: it is a conservative change, it occurs at a poorly conserved position in the protein, it is predicted to be benign by multiple in silico algorithms, and/or has population frequency not consistent with disease.

Color Diagnostics, LLC DBA Color Health
Classification: Likely benign for Hereditary cancer-predisposing syndrome. Last evaluated: 2016-08-18. Review status: criteria provided, single submitter. Criteria: ACMG Guidelines, 2015. Collection method: clinical testing. Allele origin: germline.

NM_000051.4(ATM):c.6452+13G>A

Genes: ATM (ATM serine/threonine kinase; plus strand), C11orf65 (chromosome 11 open reading frame 65; minus strand). Cytogenetic location: 11q22.3.
Variant type: single nucleotide variant.
Coding change: c.6452+13G>A on transcript NM_000051.4 (MANE Select); 13 bases into the intron after coding-DNA position 6452, G replaced by A.
Molecular consequence: intron variant.
Genome position (GRCh38, 1-based): chr11:108,320,071, G>A. VCF-style: chr11-108320071-G-A. GRCh37 (hg19) VCF-style: chr11-108190798-G-A.
Other names: c.6452+13G>A (NM_001351834.2); c.641-11000C>T (NM_001330368.2); c.*39-11000C>T (NM_001351110.2).
Identifiers: ClinVar variation 490654 (VCV000490654.8), dbSNP rs760228732, ClinGen allele CA6265939.